The following is an entry in ClinVar:

NM_001330701.2(AGTPBP1):c.2466G>A (p.Lys822=)

Gene: AGTPBP1 (ATP/GTP binding carboxypeptidase 1; minus strand). Cytogenetic location: 9q21.33.
Variant type: single nucleotide variant.
Coding change: c.2466G>A on transcript NM_001330701.2 (MANE Select); coding-DNA position 2466, G replaced by A.
Protein change: p.Lys822=; no amino-acid change (lysine 822 retained).
Molecular consequence: synonymous variant.
Genome position (GRCh38, 1-based): chr9:85,592,662, C>T on the plus strand (G>A on the coding strand, the complement: AGTPBP1 is on the minus strand). VCF-style: chr9-85592662-C-T. GRCh37 (hg19) VCF-style: chr9-88207577-C-T.
Other names: c.2622G>A, p.Lys874= (NM_001286715.1); c.2502G>A, p.Lys834= (NM_001286717.1); c.2346G>A, p.Lys782= (NM_015239.3).
Identifiers: ClinVar variation 3341661 (VCV003341661.17).
Genomic context (GRCh38, chr9:85,592,662, plus strand): 5'-GCAAACATCATCTTTATGTGGAAAATTGACAGTAAATGTAATTGTATAGTAGGATTTTCC[C>T]TTTTGCCCACCTGCAGCAACTGAACTTCTTGAGAAATGATTTCTGCAATAAAAACGCATA-3'
Protein context (NP_001317630.1, residues 812-832): SRSSVAAGGQ[Lys822=]GKSYYTITFT

ClinVar aggregate classification (germline): Likely benign. Review status: criteria provided, multiple submitters, no conflicts (2 of 4 stars). 2 submissions from 2 submitters: Likely benign (2). Last evaluated 2024-09-02.

gnomAD v4.1: 459 of 1,611,192 alleles (0.028%); highest among the groups gnomAD compares: African/African-American, 0.41%; 1 homozygote.

Submissions (2):

Blueprint Genetics
Classification: Likely benign. Last evaluated: 2024-09-02. Review status: criteria provided, single submitter. Criteria: ACMG Guidelines, 2015. Collection method: clinical testing. Allele origin: germline.

CeGaT Center for Human Genetics Tuebingen
Classification: Likely benign. Last evaluated: 2024-07-01. Review status: criteria provided, single submitter. Criteria: CeGaT Center For Human Genetics Tuebingen Variant Classification Criteria Version 2. Collection method: clinical testing. Allele origin: germline. Affected: yes. Observed: 1 variant allele.
Comment: AGTPBP1: BP4, BP7